The following is an entry in ClinVar:

NM_001270.4(CHD1):c.3196G>A (p.Glu1066Lys)

Gene: CHD1 (chromodomain helicase DNA binding protein 1; minus strand). Cytogenetic location: 5q15.
Variant type: single nucleotide variant.
Coding change: c.3196G>A on transcript NM_001270.4 (MANE Select); coding-DNA position 3196, G replaced by A.
Protein change: p.Glu1066Lys; replaces glutamic acid 1066 with lysine.
Molecular consequence: missense variant. On other transcripts: non-coding transcript variant (2).
Genome position (GRCh38, 1-based): chr5:98,879,593, C>T on the plus strand (G>A on the coding strand, the complement: CHD1 is on the minus strand). VCF-style: chr5-98879593-C-T. GRCh37 (hg19) VCF-style: chr5-98215297-C-T.
Other names: c.3196G>A, p.Glu1066Lys (NM_001364113.3, NM_001376194.2); short protein forms E1066K.
Identifiers: ClinVar variation 4526128 (VCV004526128.1).

ClinVar aggregate classification (germline): Uncertain significance (1 of 4 stars; one submission).

Submission:

Women's Health and Genetics/Laboratory Corporation of America, LabCorp
Classification: Uncertain significance. Last evaluated: 2025-07-29. Review status: criteria provided, single submitter. Criteria: LabCorp Variant Classification Summary - May 2015. Collection method: clinical testing. Allele origin: germline.
Comment: Variant summary: CHD1 c.3196G>A (p.Glu1066Lys) results in a conservative amino acid change in the encoded protein sequence. Algorithms developed to predict the effect of missense changes on protein structure and function are either unavailable or do not agree on the potential impact of this missense change. The variant was absent in 241502 control chromosomes. The available data on variant occurrences in the general population are insufficient to allow any conclusion about variant significance. To our knowledge, no occurrence of c.3196G>A in individuals affected with Pilarowski-Bjornsson Syndrome and no experimental evidence demonstrating its impact on protein function have been reported. No submitters have cited clinical-significance assessments for this variant to ClinVar. Based on the evidence outlined above, the variant was classified as uncertain significance.